The following is an entry in ClinVar:

ClinVar aggregate classification (germline): Likely benign. Review status: criteria provided, multiple submitters, no conflicts (2 of 4 stars). 4 submissions from 4 submitters: Likely benign (4). Last evaluated 2025-06-27.

Conditions:
Familial sleep-related hypermotor epilepsy. Also called: Autosomal Dominant Sleep-Related Hypermotor (Hyperkinetic) Epilepsy. Identifiers: Orphanet 98784, MedGen C3696898, MONDO:0000030.

Allele frequency attached by ClinVar (database versions not stated): gnomAD 0.00001; gnomAD exomes 0.00001; TOPMed 0.00001.

Submissions (4):

Labcorp Genetics (formerly Invitae), Labcorp
Classification: Likely benign. Last evaluated: 2025-06-27. Review status: criteria provided, single submitter. Criteria: Invitae Variant Classification Sherloc (09022015). Collection method: clinical testing. Allele origin: germline.

Blueprint Genetics
Classification: Likely benign. Last evaluated: 2024-04-24. Review status: criteria provided, single submitter. Criteria: ACMG Guidelines, 2015. Collection method: clinical testing. Allele origin: germline.

CeGaT Center for Human Genetics Tuebingen
Classification: Likely benign. Last evaluated: 2022-12-01. Review status: criteria provided, single submitter. Criteria: CeGaT Center For Human Genetics Tuebingen Variant Classification Criteria Version 2. Collection method: clinical testing. Allele origin: germline. Affected: yes. Observed: 1 variant allele.
Comment: CHRNB2: BP4, BP7

GeneDx
Classification: Likely benign. Last evaluated: 2017-01-04. Review status: criteria provided, single submitter. Criteria: GeneDx Variant Classification (06012015). Collection method: clinical testing. Allele origin: germline. Affected: yes.
Comment: This variant is considered likely benign or benign based on one or more of the following criteria: it is a conservative change, it occurs at a poorly conserved position in the protein, it is predicted to be benign by multiple in silico algorithms, and/or has population frequency not consistent with disease.

NM_000748.3(CHRNB2):c.1308C>T (p.Asp436=)

Gene: CHRNB2 (cholinergic receptor nicotinic beta 2 subunit; plus strand). Cytogenetic location: 1q21.3.
Variant type: single nucleotide variant.
Coding change: c.1308C>T on transcript NM_000748.3 (MANE Select); coding-DNA position 1308, C replaced by T.
Protein change: p.Asp436=; no amino-acid change (aspartic acid 436 retained).
Molecular consequence: synonymous variant.
Genome position (GRCh38, 1-based): chr1:154,572,131, C>T. VCF-style: chr1-154572131-C-T. GRCh37 (hg19) VCF-style: chr1-154544607-C-T.
Identifiers: ClinVar variation 392272 (VCV000392272.34), dbSNP rs1057524421, ClinGen allele CA16603454.